The following is an entry in ClinVar:

NM_000038.6(APC):c.1958+826C>A

Gene: APC (APC regulator of WNT signaling pathway; plus strand). Cytogenetic location: 5q22.2.
Variant type: single nucleotide variant.
Coding change: c.1958+826C>A on transcript NM_000038.6 (MANE Select); 826 bases into the intron after coding-DNA position 1958, C replaced by A.
Molecular consequence: intron variant.
Genome position (GRCh38, 1-based): chr5:112,835,991, C>A. VCF-style: chr5-112835991-C-A. GRCh37 (hg19) VCF-style: chr5-112171688-C-A.
Other names: c.1958+826C>A (NM_001354895.2, NM_001127510.3); c.1988+826C>A (NM_001354897.2); c.1685+826C>A (NM_001354902.2); c.1904+826C>A (NM_001127511.3); c.1883+826C>A (NM_001354898.2); c.1580+826C>A (NM_001354904.2); c.1109+826C>A (NM_001354906.2); c.2012+826C>A (NM_001354896.2); and 5 more.
Identifiers: ClinVar variation 83221 (VCV000083221.2), dbSNP rs78421859, ClinGen allele CA006739.

ClinVar aggregate classification (germline): other (0 of 4 stars; one submission).

Conditions:
Familial colorectal cancer. Identifiers: MedGen CN280943, MONDO:0023113. Disease mechanism: loss of function.

Submission:

Systems Biology Platform Zhejiang California International NanoSystems Institute
Classification: other for Familial colorectal cancer. Review status: no assertion criteria provided. Collection method: not provided. Allele origin: unknown.
ClinVar note: Converted during submission from cancer to other.